The following is an entry in ClinVar:

ClinVar aggregate classification (germline): Uncertain significance (1 of 4 stars; one submission).

Allele frequency attached by ClinVar (database versions not stated): gnomAD exomes below 0.00001 and 0.00001.
gnomAD v4.1: 16 of 1,614,036 alleles (0.00099%); highest among the groups gnomAD compares: Non-Finnish European, 0.0014%; no homozygotes.

Submission:

Labcorp Genetics (formerly Invitae), Labcorp
Classification: Uncertain significance. Last evaluated: 2021-02-22. Review status: criteria provided, single submitter. Criteria: Invitae Variant Classification Sherloc (09022015). Collection method: clinical testing. Allele origin: germline.
Comment: In summary, the available evidence is currently insufficient to determine the role of this variant in disease. Therefore, it has been classified as a Variant of Uncertain Significance. Algorithms developed to predict the effect of missense changes on protein structure and function are either unavailable or do not agree on the potential impact of this missense change (SIFT: "Not Available"; PolyPhen-2: "Probably Damaging"; Align-GVGD: "Not Available"). This variant is not present in population databases (ExAC no frequency). This variant has not been reported in the literature in individuals with CEP250-related conditions. This sequence change replaces leucine with proline at codon 180 of the CEP250 protein (p.Leu180Pro). The leucine residue is moderately conserved and there is a moderate physicochemical difference between leucine and proline.

NM_007186.6(CEP250):c.539T>C (p.Leu180Pro)

Gene: CEP250 (centrosomal protein 250; plus strand). Cytogenetic location: 20q11.22.
Variant type: single nucleotide variant.
Coding change: c.539T>C on transcript NM_007186.6 (MANE Select); coding-DNA position 539, T replaced by C.
Protein change: p.Leu180Pro; replaces leucine 180 with proline.
Molecular consequence: missense variant. On other transcripts: 5 prime UTR variant (1).
Genome position (GRCh38, 1-based): chr20:35,467,012, T>C. VCF-style: chr20-35467012-T-C. GRCh37 (hg19) VCF-style: chr20-34054837-T-C.
Other names: c.-1361T>C (NM_001318219.1); short protein forms L180P.
Identifiers: ClinVar variation 1044965 (VCV001044965.7), dbSNP rs1434033246, ClinGen allele CA408754997.